The following is an entry in ClinVar:

NM_001174147.2(LMX1B):c.*438G>C

Gene: LMX1B (LIM homeobox transcription factor 1 beta; plus strand). Cytogenetic location: 9q33.3.
Variant type: single nucleotide variant.
Coding change: c.*438G>C on transcript NM_001174147.2 (MANE Select); 438 bases downstream of the stop codon, G replaced by C.
Molecular consequence: 3 prime UTR variant.
Genome position (GRCh38, 1-based): chr9:126,696,889, G>C. VCF-style: chr9-126696889-G-C. GRCh37 (hg19) VCF-style: chr9-129459168-G-C.
Other names: c.*438G>C (NM_001174146.2, NM_002316.4).
Identifiers: ClinVar variation 364904 (VCV000364904.5), dbSNP rs140325479, ClinGen allele CA10626367.

ClinVar aggregate classification (germline): Benign (1 of 4 stars; one submission).

Conditions:
Nail-patella syndrome (NPS). Also called: FONG DISEASE; ONYCHOOSTEODYSPLASIA; TURNER-KIESER SYNDROME. Identifiers: Orphanet 2614, MedGen C0027341, MONDO:0008061, OMIM 161200.

Allele frequency attached by ClinVar (database versions not stated): 1000 Genomes Project 30x 0.00031; 1000 Genomes Project 0.00040; TOPMed 0.00092; gnomAD 0.00095 and 0.00096; gnomAD exomes 0.00131.
gnomAD v4.1: 221 of 211,872 alleles (0.1%); highest among the groups gnomAD compares: Non-Finnish European, 0.19%; 1 homozygote.

Submission:

Illumina Laboratory Services, Illumina
Classification: Benign for Nail-patella syndrome. Last evaluated: 2018-01-12. Review status: criteria provided, single submitter. Criteria: ICSL Variant Classification Criteria 13 December 2019. Collection method: clinical testing. Allele origin: germline.
Comment: This variant was observed in the ICSL laboratory as part of a predisposition screen in an ostensibly healthy population. It had not been previously curated by ICSL or reported in the Human Gene Mutation Database (HGMD: prior to June 1st, 2018), and was therefore a candidate for classification through an automated scoring system. Utilizing variant allele frequency, disease prevalence and penetrance estimates, and inheritance mode, an automated score was calculated to assess if this variant is too frequent to cause the disease. Based on the score and internal cut-off values, a variant classified as benign is not then subjected to further curation. The score for this variant resulted in a classification of benign for this disease.